The following is an entry in ClinVar:

NM_000038.6(APC):c.6244G>A (p.Asp2082Asn)

Gene: APC (APC regulator of Wnt signaling pathway; plus strand). Cytogenetic location: 5q22.2.
Variant type: single nucleotide variant.
Coding change: c.6244G>A on transcript NM_000038.6 (MANE Select); coding-DNA position 6244, G replaced by A.
Protein change: p.Asp2082Asn; replaces aspartic acid 2082 with asparagine.
Molecular consequence: missense variant. On other transcripts: non-coding transcript variant (2).
Genome position (GRCh38, 1-based): chr5:112,841,838, G>A. VCF-style: chr5-112841838-G-A. GRCh37 (hg19) VCF-style: chr5-112177535-G-A.
Other names: c.6244G>A, p.Asp2082Asn (NM_001127510.3, NM_001354895.2, NM_001407450.1); c.6190G>A, p.Asp2064Asn (NM_001127511.3); c.6298G>A, p.Asp2100Asn (NM_001354896.2, NM_001407447.1, NM_001407448.1 and 1 more transcripts); c.6274G>A, p.Asp2092Asn (NM_001354897.2); c.6169G>A, p.Asp2057Asn (NM_001354898.2); c.6160G>A, p.Asp2054Asn (NM_001354899.2); c.6121G>A, p.Asp2041Asn (NM_001354900.2); c.6067G>A, p.Asp2023Asn (NM_001354901.2, NM_001407453.1); and 11 more; short protein forms D2023N, D2041N, D2054N, D2072N, D2082N, D1981N, D1999N, D2075N.
Identifiers: ClinVar variation 3929214 (VCV003929214.1).

ClinVar aggregate classification (germline): Uncertain significance (1 of 4 stars; one submission).

Conditions:
Hereditary cancer-predisposing syndrome. Also called: Hereditary Cancer Syndrome; Hereditary neoplastic syndrome; Neoplastic Syndromes, Hereditary; Tumor predisposition. Identifiers: Orphanet 140162, MedGen C0027672, MeSH D009386, MONDO:0015356.

Submission:

Ambry Genetics
Classification: Uncertain significance for Hereditary cancer-predisposing syndrome. Last evaluated: 2025-05-04. Review status: criteria provided, single submitter. Criteria: Ambry Variant Classification Scheme 2023. Collection method: clinical testing. Allele origin: germline.
Comment: The p.D2082N variant (also known as c.6244G>A), located in coding exon 15 of the APC gene, results from a G to A substitution at nucleotide position 6244. The aspartic acid at codon 2082 is replaced by asparagine, an amino acid with highly similar properties. This amino acid position is conserved. In addition, in silico predictors for this gene do not accurately predict pathogenicity. Based on the available evidence, the clinical significance of this variant remains unclear.